The following is an entry in ClinVar:

NM_003900.5(SQSTM1):c.481C>T (p.Arg161Trp)

Gene: SQSTM1 (sequestosome 1; plus strand). Cytogenetic location: 5q35.3.
Variant type: single nucleotide variant.
Coding change: c.481C>T on transcript NM_003900.5 (MANE Select); coding-DNA position 481, C replaced by T.
Protein change: p.Arg161Trp; replaces arginine 161 with tryptophan.
Molecular consequence: missense variant.
Genome position (GRCh38, 1-based): chr5:179,824,037, C>T. VCF-style: chr5-179824037-C-T. GRCh37 (hg19) VCF-style: chr5-179251037-C-T.
Other names: c.229C>T, p.Arg77Trp (NM_001142298.2, NM_001142299.2); short protein forms R161W, R77W.
Identifiers: ClinVar variation 661331 (VCV000661331.7), dbSNP rs758625124, ClinGen allele CA3600520.

ClinVar aggregate classification (germline): Uncertain significance (1 of 4 stars; one submission).

Conditions:
Frontotemporal dementia and/or amyotrophic lateral sclerosis 1 (FTDALS1). Also called: Frontotemporal dementia with motor neuron disease 1; C9orf72 Frontotemporal Dementia and/or Amyotrophic Lateral Sclerosis. Identifiers: Orphanet 275872, MedGen C5779877, MONDO:0007105, OMIM 105550.
Paget disease of bone 2, early-onset (PDB2). Also called: Paget disease of bone 2. Identifiers: MedGen C4085251, MONDO:0011183, OMIM 602080.

Allele frequency attached by ClinVar (database versions not stated): gnomAD 0.00002; gnomAD exomes 0.00004; TOPMed 0.00005.
gnomAD v4.1: 58 of 1,613,958 alleles (0.0036%); highest among the groups gnomAD compares: Admixed American, 0.03%; no homozygotes.

Submission:

Labcorp Genetics (formerly Invitae), Labcorp
Classification: Uncertain significance for Paget disease of bone 2, early-onset; Frontotemporal dementia and/or amyotrophic lateral sclerosis 1. Last evaluated: 2024-11-08. Review status: criteria provided, single submitter. Criteria: Invitae Variant Classification Sherloc (09022015). Collection method: clinical testing. Allele origin: germline.
Comment: This sequence change replaces arginine, which is basic and polar, with tryptophan, which is neutral and slightly polar, at codon 161 of the SQSTM1 protein (p.Arg161Trp). This variant is present in population databases (rs758625124, gnomAD 0.04%). This missense change has been observed in individual(s) with clinical features of amyotrophic lateral sclerosis (PMID: 34020145). ClinVar contains an entry for this variant (Variation ID: 661331). Invitae Evidence Modeling of protein sequence and biophysical properties (such as structural, functional, and spatial information, amino acid conservation, physicochemical variation, residue mobility, and thermodynamic stability) indicates that this missense variant is not expected to disrupt SQSTM1 protein function with a negative predictive value of 80%. In summary, the available evidence is currently insufficient to determine the role of this variant in disease. Therefore, it has been classified as a Variant of Uncertain Significance.

Literature cited by the submitters: PubMed 34020145.